The following is an entry in ClinVar:

ClinVar aggregate classification (germline): Uncertain significance (1 of 4 stars; one submission).

Conditions:
Hereditary cancer-predisposing syndrome. Also called: Neoplastic Syndromes, Hereditary; Tumor predisposition; Hereditary neoplastic syndrome; Hereditary Cancer Syndrome. Identifiers: Orphanet 140162, MedGen C0027672, MeSH D009386, MONDO:0015356.

Submission:

Ambry Genetics
Classification: Uncertain significance for Hereditary cancer-predisposing syndrome. Last evaluated: 2026-06-28. Review status: criteria provided, single submitter. Criteria: Ambry Variant Classification Scheme 2023. Collection method: clinical testing. Allele origin: germline.
Comment: The p.G544R variant (also known as c.1630G>A), located in coding exon 13 of the TSC1 gene, results from a G to A substitution at nucleotide position 1630. The glycine at codon 544 is replaced by arginine, an amino acid with dissimilar properties. This amino acid position is conserved. In addition, the in silico prediction for this alteration is inconclusive. Based on the available evidence, the clinical significance of this variant remains unclear.

NM_000368.5(TSC1):c.1630G>A (p.Gly544Arg)

Gene: TSC1 (TSC complex subunit 1; minus strand). Cytogenetic location: 9q34.13.
Variant type: single nucleotide variant.
Coding change: c.1630G>A on transcript NM_000368.5 (MANE Select); coding-DNA position 1630, G replaced by A.
Protein change: p.Gly544Arg; replaces glycine 544 with arginine.
Molecular consequence: missense variant. On other transcripts: non-coding transcript variant (5).
Genome position (GRCh38, 1-based): chr9:132,905,948, C>T on the plus strand (G>A on the coding strand, the complement: TSC1 is on the minus strand). VCF-style: chr9-132905948-C-T. GRCh37 (hg19) VCF-style: chr9-135781335-C-T.
Other names: c.1627G>A, p.Gly543Arg (NM_001406598.1, NM_001406599.1, NM_001406600.1 and 6 more transcripts); c.1630G>A, p.Gly544Arg (NM_001406601.1, NM_001406602.1, NM_001406605.1 and 7 more transcripts); c.1267G>A, p.Gly423Arg (NM_001406617.1, NM_001406618.1, NM_001406619.1 and 5 more transcripts); c.1264G>A, p.Gly422Arg (NM_001406620.1, NM_001406621.1, NM_001406622.1 and 2 more transcripts); c.679G>A, p.Gly227Arg (NM_001406626.1); c.1477G>A, p.Gly493Arg (NM_001162427.2, NM_001406610.1); c.676G>A, p.Gly226Arg (NM_001406627.1, NM_001406628.1); c.577G>A, p.Gly193Arg (NM_001406629.1, NM_001406630.1); and 1 more; short protein forms G227R, G422R, G543R, G226R, G492R, G544R, G493R, G193R.
Identifiers: ClinVar variation 5031206 (VCV005031206.1).